The following is an entry in ClinVar:

ClinVar aggregate classification (germline): Uncertain significance. Review status: criteria provided, multiple submitters, no conflicts (2 of 4 stars). 3 submissions from 3 submitters: Uncertain significance (3). Last evaluated 2025-09-27.

Conditions:
Nijmegen breakage syndrome-like disorder (NBSLD). Also called: MICROCEPHALY AND SPONTANEOUS CHROMOSOME INSTABILITY WITHOUT IMMUNODEFICIENCY; NBS-LIKE DISORDER; RAD50 DEFICIENCY. Identifiers: Orphanet 240760, MedGen C2751318, MONDO:0013118, OMIM 613078.
Hereditary cancer-predisposing syndrome. Also called: Neoplastic Syndromes, Hereditary; Hereditary Cancer Syndrome; Tumor predisposition; Hereditary neoplastic syndrome. Identifiers: Orphanet 140162, MedGen C0027672, MeSH D009386, MONDO:0015356.

Allele frequency attached by ClinVar (database versions not stated): gnomAD exomes below 0.00001.
gnomAD v4.1: 1 of 1,610,352 alleles (0.000062%); highest among the groups gnomAD compares: Non-Finnish European, 0.000085%; no homozygotes.

Submissions (3):

Labcorp Genetics (formerly Invitae), Labcorp
Classification: Uncertain significance for Hereditary cancer-predisposing syndrome. Last evaluated: 2025-09-27. Review status: criteria provided, single submitter. Criteria: Invitae Variant Classification Sherloc (09022015). Collection method: clinical testing. Allele origin: germline.
Comment: This sequence change replaces leucine, which is neutral and non-polar, with serine, which is neutral and polar, at codon 901 of the RAD50 protein (p.Leu901Ser). This variant is not present in population databases (gnomAD no frequency). This variant has not been reported in the literature in individuals affected with RAD50-related conditions. ClinVar contains an entry for this variant (Variation ID: 853576). Invitae Evidence Modeling of protein sequence and biophysical properties (such as structural, functional, and spatial information, amino acid conservation, physicochemical variation, residue mobility, and thermodynamic stability) has been performed for this missense variant. However, the output from this modeling did not meet the statistical confidence thresholds required to predict the impact of this variant on RAD50 protein function. In summary, the available evidence is currently insufficient to determine the role of this variant in disease. Therefore, it has been classified as a Variant of Uncertain Significance.

Baylor Genetics
Classification: Uncertain significance for Nijmegen breakage syndrome-like disorder. Last evaluated: 2023-12-07. Review status: criteria provided, single submitter. Criteria: ACMG Guidelines, 2015. Collection method: clinical testing. Allele origin: unknown.

Ambry Genetics
Classification: Uncertain significance for Hereditary cancer-predisposing syndrome. Last evaluated: 2023-10-26. Review status: criteria provided, single submitter. Criteria: Ambry Variant Classification Scheme 2023. Collection method: clinical testing. Allele origin: germline.
Comment: The p.L901S variant (also known as c.2702T>C), located in coding exon 16 of the RAD50 gene, results from a T to C substitution at nucleotide position 2702. The leucine at codon 901 is replaced by serine, an amino acid with dissimilar properties. This amino acid position is highly conserved in available vertebrate species. In addition, the in silico prediction for this alteration is inconclusive. Since supporting evidence is limited at this time, the clinical significance of this alteration remains unclear.

NM_005732.4(RAD50):c.2702T>C (p.Leu901Ser)

Gene: RAD50 (RAD50 double strand break repair protein; plus strand). Cytogenetic location: 5q31.1.
Variant type: single nucleotide variant.
Coding change: c.2702T>C on transcript NM_005732.4 (MANE Select); coding-DNA position 2702, T replaced by C.
Protein change: p.Leu901Ser; replaces leucine 901 with serine.
Molecular consequence: missense variant.
Genome position (GRCh38, 1-based): chr5:132,604,983, T>C. VCF-style: chr5-132604983-T-C. GRCh37 (hg19) VCF-style: chr5-131940675-T-C.
Other names: short protein forms L901S.
Identifiers: ClinVar variation 853576 (VCV000853576.11), dbSNP rs1750958929, ClinGen allele CA360956953.